The following is an entry in ClinVar:

ClinVar aggregate classification (germline): Pathogenic (1 of 4 stars; one submission).

Conditions:
Hereditary spastic paraplegia 4. Also called: Spastic paraplegia 4, autosomal dominant; Familial spastic paraplegia autosomal dominant 2; Spastic Paraplegia 4. Identifiers: Orphanet 100985, MedGen C1866855, MONDO:0008438, OMIM 182601.

Submission:

Labcorp Genetics (formerly Invitae), Labcorp
Classification: Pathogenic for Hereditary spastic paraplegia 4. Last evaluated: 2016-10-01. Review status: criteria provided, single submitter. Criteria: Invitae Variant Classification Sherloc (09022015). Collection method: clinical testing. Allele origin: germline.
Comment: This sequence change creates a premature translational stop signal at codon 43 (p.Glu43*) of the SPAST gene. It is expected to result in an absent or disrupted protein product. Truncating sequence changes in SPAST are known to be pathogenic (PMID:20932283). This variant has been reported in a family affected with autosomal dominant hereditary spastic paraplegia (AD-HSP) (PMID: 17916079). For these reasons, this variant has been classified as Pathogenic.

Literature cited by the submitters: PubMed 20932283; PubMed 17916079.

NM_014946.4(SPAST):c.127G>T (p.Glu43Ter)

Gene: SPAST (spastin; plus strand). Cytogenetic location: 2p22.3.
Variant type: single nucleotide variant.
Coding change: c.127G>T on transcript NM_014946.4 (MANE Select); coding-DNA position 127, G replaced by T.
Protein change: p.Glu43Ter; replaces glutamic acid 43 with a stop codon.
Molecular consequence: nonsense.
Genome position (GRCh38, 1-based): chr2:32,063,958, G>T. VCF-style: chr2-32063958-G-T. GRCh37 (hg19) VCF-style: chr2-32289027-G-T.
Other names: c.127G>T, p.Glu43Ter (NM_001363823.2, NM_001363875.2, NM_001377959.1 and 1 more transcripts); short protein forms E43*.
Identifiers: ClinVar variation 409028 (VCV000409028.8), dbSNP rs573642949, ClinGen allele CA16610962.